The following is an entry in ClinVar:

ClinVar aggregate classification (germline): Conflicting classifications of pathogenicity. Review status: criteria provided, conflicting classifications (1 of 4 stars). 7 submissions from 7 submitters: Uncertain significance (6); Likely benign (1). Last evaluated 2026-01-28.

Conditions:
Hereditary nonpolyposis colorectal neoplasms. Identifiers: MedGen C0009405, MeSH D003123.
Hereditary cancer-predisposing syndrome. Also called: Hereditary Cancer Syndrome; Hereditary neoplastic syndrome; Tumor predisposition; Neoplastic Syndromes, Hereditary. Identifiers: Orphanet 140162, MedGen C0027672, MeSH D009386, MONDO:0015356.
Lynch syndrome. Identifiers: Orphanet 144, MedGen C4552100, MONDO:0005835. Disease mechanism: loss of function.
Endometrial carcinoma. Also called: Endometrial carcinoma, somatic. Identifiers: MedGen C0476089, MONDO:0002447, OMIM 608089, HP:0012114.

Allele frequency attached by ClinVar (database versions not stated): gnomAD exomes below 0.00001 and 0.00001; ExAC 0.00002; TOPMed 0.00004; gnomAD 0.00005 and 0.00006; ESP Exome Variant Server 0.00008.
gnomAD v4.1: 9 of 1,614,040 alleles (0.00056%); highest among the groups gnomAD compares: African/African-American, 0.011%; no homozygotes.

Submissions (7):

Labcorp Genetics (formerly Invitae), Labcorp
Classification: Likely benign for Hereditary nonpolyposis colorectal neoplasms. Last evaluated: 2026-01-28. Review status: criteria provided, single submitter. Criteria: Invitae Variant Classification Sherloc (09022015). Collection method: clinical testing. Allele origin: germline.

Ambry Genetics
Classification: Uncertain significance for Hereditary cancer-predisposing syndrome. Last evaluated: 2024-06-05. Review status: criteria provided, single submitter. Criteria: Ambry Variant Classification Scheme 2023. Collection method: clinical testing. Allele origin: germline.

Baylor Genetics
Classification: Uncertain significance for Endometrial carcinoma. Last evaluated: 2024-02-07. Review status: criteria provided, single submitter. Criteria: ACMG Guidelines, 2015. Collection method: clinical testing. Allele origin: unknown.

Color Diagnostics, LLC DBA Color Health
Classification: Uncertain significance for Hereditary cancer-predisposing syndrome. Last evaluated: 2024-01-29. Review status: criteria provided, single submitter. Criteria: ACMG Guidelines, 2015. Collection method: clinical testing. Allele origin: germline.
Comment: This missense variant replaces alanine with valine at codon 1064 of the MSH6 protein. Computational prediction suggests that this variant may have deleterious impact on protein structure and function (internally defined REVEL score threshold >= 0.7, PMID: 27666373). To our knowledge, functional studies have not been reported for this variant. This variant has not been reported in individuals affected with MSH6-related disorders in the literature. This variant has been identified in 5/282752 chromosomes in the general population by the Genome Aggregation Database (gnomAD). The available evidence is insufficient to determine the role of this variant in disease conclusively. Therefore, this variant is classified as a Variant of Uncertain Significance.

All of Us Research Program, National Institutes of Health
Classification: Uncertain significance for Lynch syndrome. Last evaluated: 2023-12-01. Review status: criteria provided, single submitter. Criteria: ACMG Guidelines, 2015. Collection method: clinical testing. Allele origin: germline. Inheritance: Autosomal dominant inheritance. Observed: 1 variant allele, 1 heterozygote.
Comment: This missense variant replaces alanine with valine at codon 1064 of the MSH6 protein. Computational prediction suggests that this variant may have deleterious impact on protein structure and function (internally defined REVEL score threshold >= 0.7, PMID: 27666373). To our knowledge, functional studies have not been reported for this variant. This variant has not been reported in individuals affected with MSH6-related disorders in the literature. This variant has been identified in 5/282752 chromosomes in the general population by the Genome Aggregation Database (gnomAD). The available evidence is insufficient to determine the role of this variant in disease conclusively. Therefore, this variant is classified as a Variant of Uncertain Significance.

This study involves interpretation of variants in research participants for the purpose of population health screening. Participant phenotype was not available at the time of variant classification. Additional details can be found in publication PMID: 35346344, PMCID: PMC8962531

Quest Diagnostics Nichols Institute San Juan Capistrano
Classification: Uncertain significance. Last evaluated: 2017-09-26. Review status: criteria provided, single submitter. Criteria: Quest Diagnostics criteria. Collection method: clinical testing. Allele origin: germline.

GeneDx
Classification: Uncertain significance. Last evaluated: 2015-11-24. Review status: criteria provided, single submitter. Criteria: GeneDx Variant Classification (06012015). Collection method: clinical testing. Allele origin: germline. Affected: yes.
Comment: This variant is denoted MSH6 c.3191C>T at the cDNA level, p.Ala1064Val (A1064V) at the protein level, and results in the change of an Alanine to a Valine (GCT>GTT). This variant has not, to our knowledge, been published in the literature as pathogenic or benign. MSH6 Ala1064Val was not observed in approximately 6,500 individuals of European and African American ancestry in the NHLBI Exome Sequencing Project, suggesting it is not a common benign variant in these populations. Since Alanine and Valine share similar properties, this is considered a conservative amino acid substitution. MSH6 Ala1064Val occurs at a position that is not conserved across species and is located in MutS domain III (Terui 2013). In silico analyses are inconsistent regarding the effect this variant may have on protein structure and function (Terui 2013). Based on currently available evidence, it is unclear whether MSH6 Ala1064Val is a pathogenic or benign variant. We consider it to be a variant of uncertain significance.

NM_000179.3(MSH6):c.3191C>T (p.Ala1064Val)

Gene: MSH6 (mutS homolog 6; plus strand). Cytogenetic location: 2p16.3.
Variant type: single nucleotide variant.
Coding change: c.3191C>T on transcript NM_000179.3 (MANE Select); coding-DNA position 3191, C replaced by T.
Protein change: p.Ala1064Val; replaces alanine 1064 with valine.
Molecular consequence: missense variant.
Genome position (GRCh38, 1-based): chr2:47,803,438, C>T. VCF-style: chr2-47803438-C-T. GRCh37 (hg19) VCF-style: chr2-48030577-C-T.
Other names: p.A1064V:GCT>GTT; c.2801C>T, p.Ala934Val (NM_001281492.2); c.2285C>T, p.Ala762Val (NM_001281493.2, NM_001281494.2); short protein forms A1064V, A934V, A762V.
Identifiers: ClinVar variation 127581 (VCV000127581.23), dbSNP rs369042519, ClinGen allele CA011826.